The following is an entry in ClinVar:

ClinVar aggregate classification (germline): Conflicting classifications of pathogenicity. Review status: criteria provided, conflicting classifications (1 of 4 stars). 2 submissions from 2 submitters: Uncertain significance (1); Likely benign (1). Last evaluated 2025-08-21.

Allele frequency attached by ClinVar (database versions not stated): TOPMed 0.00001; gnomAD 0.00003 and 0.00004; ExAC 0.00004; gnomAD exomes 0.00004 and 0.00006; ESP Exome Variant Server 0.00008.
gnomAD v4.1: 84 of 1,535,236 alleles (0.0055%); highest among the groups gnomAD compares: Non-Finnish European, 0.0074%; no homozygotes.

Submissions (2):

Labcorp Genetics (formerly Invitae), Labcorp
Classification: Uncertain significance. Last evaluated: 2025-08-21. Review status: criteria provided, single submitter. Criteria: Invitae Variant Classification Sherloc (09022015). Collection method: clinical testing. Allele origin: germline.
Comment: This sequence change falls in intron 37 of the CPLANE1 gene. It does not directly change the encoded amino acid sequence of the CPLANE1 protein. This variant is present in population databases (rs369110813, gnomAD 0.009%). This variant has not been reported in the literature in individuals affected with CPLANE1-related conditions. ClinVar contains an entry for this variant (Variation ID: 1372363). Algorithms developed to predict the effect of sequence changes on RNA splicing suggest that this variant may disrupt the consensus splice site. In summary, the available evidence is currently insufficient to determine the role of this variant in disease. Therefore, it has been classified as a Variant of Uncertain Significance.

Blueprint Genetics
Classification: Likely benign. Last evaluated: 2018-05-07. Review status: criteria provided, single submitter. Criteria: ACMG Guidelines, 2015. Collection method: clinical testing. Allele origin: germline.

NM_001384732.1(CPLANE1):c.7589-18T>A

Gene: CPLANE1 (ciliogenesis and planar polarity effector complex subunit 1; minus strand). Cytogenetic location: 5p13.2.
Variant type: single nucleotide variant.
Coding change: c.7589-18T>A on transcript NM_001384732.1 (MANE Select); 18 bases into the intron before coding-DNA position 7589, T replaced by A.
Molecular consequence: intron variant.
Genome position (GRCh38, 1-based): chr5:37,162,584, A>T on the plus strand (T>A on the coding strand, the complement: CPLANE1 is on the minus strand). VCF-style: chr5-37162584-A-T. GRCh37 (hg19) VCF-style: chr5-37162686-A-T.
Other names: c.7589-18T>A (NM_023073.4).
Identifiers: ClinVar variation 1372363 (VCV001372363.5), dbSNP rs369110813, ClinGen allele CA3238001.